The following is an entry in ClinVar:

NM_183235.3(RAB27A):c.217T>C (p.Trp73Arg)

Gene: RAB27A (RAB27A, member RAS oncogene family; minus strand). Cytogenetic location: 15q21.3.
Variant type: single nucleotide variant.
Coding change: c.217T>C on transcript NM_183235.3 (MANE Select); coding-DNA position 217, T replaced by C.
Protein change: p.Trp73Arg; replaces tryptophan 73 with arginine.
Molecular consequence: missense variant.
Genome position (GRCh38, 1-based): chr15:55,230,423, A>G on the plus strand (T>C on the coding strand, the complement: RAB27A is on the minus strand). VCF-style: chr15-55230423-A-G. GRCh37 (hg19) VCF-style: chr15-55522621-A-G.
Other names: c.217T>C, p.Trp73Arg (NM_001438970.1, NM_004580.5, NM_183234.3 and 11 more transcripts); short protein forms W73R.
Identifiers: ClinVar variation 4819421 (VCV004819421.1).

ClinVar aggregate classification (germline): Likely pathogenic (0 of 4 stars; one submission).

Conditions:
Griscelli syndrome type 2 (GS2). Also called: GRISCELLI SYNDROME WITH HEMOPHAGOCYTIC SYNDROME; PAID SYNDROME; PARTIAL ALBINISM AND IMMUNODEFICIENCY SYNDROME. Identifiers: Orphanet 381, Orphanet 79477, MedGen C1868679, MONDO:0011872, OMIM 607624.

Submission:

Department of Pediatrics, Hirosaki University Graduate School of Medicine
Classification: Likely pathogenic for Griscelli syndrome type 2. Last evaluated: 2026-04-02. Review status: no assertion criteria provided. Collection method: clinical testing. Allele origin: germline. Inheritance: Autosomal recessive inheritance. Affected: yes.
Comment: The variant is absent or extremely rare in population databases and is consistent with a loss-of-function mechanism in RAB27A. These findings support a likely pathogenic classification.